The following is an entry in ClinVar:

ClinVar aggregate classification (germline): Pathogenic (1 of 4 stars; one submission).

Conditions:
Alpha-N-acetylgalactosaminidase deficiency type 1. Also called: SCHINDLER DISEASE, TYPE I; ALPHA-N-ACETYLGALACTOSAMINIDASE DEFICIENCY, TYPE I; NAGA DEFICIENCY, TYPE I; NEUROAXONAL DYSTROPHY, SCHINDLER TYPE. Identifiers: Orphanet 3137, Orphanet 79279, Orphanet 79281, MedGen C1836544, MONDO:0012221, OMIM 609241.

Submission:

Labcorp Genetics (formerly Invitae), Labcorp
Classification: Pathogenic for Alpha-N-acetylgalactosaminidase deficiency type 1. Last evaluated: 2023-02-18. Review status: criteria provided, single submitter. Criteria: Invitae Variant Classification Sherloc (09022015). Collection method: clinical testing. Allele origin: germline.
Comment: For these reasons, this variant has been classified as Pathogenic. This variant has not been reported in the literature in individuals affected with NAGA-related conditions. This variant is not present in population databases (gnomAD no frequency). This sequence change creates a premature translational stop signal (p.Gln265*) in the NAGA gene. It is expected to result in an absent or disrupted protein product. Loss-of-function variants in NAGA are known to be pathogenic (PMID: 8782044, 11251574).

Literature cited by the submitters: PubMed 8782044; PubMed 11251574.

NM_000262.3(NAGA):c.793C>T (p.Gln265Ter)

Gene: NAGA (alpha-N-acetylgalactosaminidase; minus strand). Cytogenetic location: 22q13.2.
Variant type: single nucleotide variant.
Coding change: c.793C>T on transcript NM_000262.3 (MANE Select); coding-DNA position 793, C replaced by T.
Protein change: p.Gln265Ter; replaces glutamine 265 with a stop codon.
Molecular consequence: nonsense.
Genome position (GRCh38, 1-based): chr22:42,062,991, G>A on the plus strand (C>T on the coding strand, the complement: NAGA is on the minus strand). VCF-style: chr22-42062991-G-A. GRCh37 (hg19) VCF-style: chr22-42458995-G-A.
Other names: c.793C>T, p.Gln265Ter (NM_001362848.1, NM_001362850.1); short protein forms Q265*.
Identifiers: ClinVar variation 2838630 (VCV002838630.3), dbSNP rs2519056669, ClinGen allele CA411767444.